The following is an entry in ClinVar:

ClinVar aggregate classification (germline): Uncertain significance. Review status: criteria provided, multiple submitters, no conflicts (2 of 4 stars). 3 submissions from 2 submitters: Uncertain significance (3). Last evaluated 2024-05-23.

Conditions:
Autosomal recessive ataxia, Beauce type. Also called: SYNE1 Deficiency; SYNE1-Related Autosomal Recessive Cerebellar Ataxia; Spinocerebellar ataxia, autosomal recessive 8; ATAXIA, RECESSIVE, OF BEAUCE. Identifiers: Orphanet 88644, MedGen C1853116, MONDO:0012549, OMIM 610743.
Emery-Dreifuss muscular dystrophy 4, autosomal dominant (EDMD4). Also called: EMERY-DREIFUSS MUSCULAR DYSTROPHY 4 WITH VARIABLE FEATURES. Identifiers: Orphanet 261, MedGen C2751807, MONDO:0013071, OMIM 612998.

Allele frequency attached by ClinVar (database versions not stated): TOPMed 0.00002.
gnomAD v4.1: 6 of 1,614,018 alleles (0.00037%); highest among the groups gnomAD compares: African/African-American, 0.0013%; no homozygotes.

Submissions (3):

Labcorp Genetics (formerly Invitae), Labcorp
Classification: Uncertain significance for Emery-Dreifuss muscular dystrophy 4, autosomal dominant; Autosomal recessive ataxia, Beauce type. Last evaluated: 2024-05-23. Review status: criteria provided, single submitter. Criteria: Invitae Variant Classification Sherloc (09022015). Collection method: clinical testing. Allele origin: germline.
Comment: This sequence change replaces alanine, which is neutral and non-polar, with valine, which is neutral and non-polar, at codon 3948 of the SYNE1 protein (p.Ala3948Val). This variant is present in population databases (no rsID available, gnomAD 0.0009%). This variant has not been reported in the literature in individuals affected with SYNE1-related conditions. ClinVar contains an entry for this variant (Variation ID: 355883). An algorithm developed to predict the effect of missense changes on protein structure and function (PolyPhen-2) suggests that this variant is likely to be tolerated. In summary, the available evidence is currently insufficient to determine the role of this variant in disease. Therefore, it has been classified as a Variant of Uncertain Significance.

Illumina Laboratory Services, Illumina
Classification: Uncertain significance for Emery-Dreifuss muscular dystrophy 4, autosomal dominant. Last evaluated: 2018-01-12. Review status: criteria provided, single submitter. Criteria: ICSL Variant Classification Criteria 13 December 2019. Collection method: clinical testing. Allele origin: germline.

Illumina Laboratory Services, Illumina
Classification: Uncertain significance for Autosomal recessive ataxia, Beauce type. Last evaluated: 2018-01-12. Review status: criteria provided, single submitter. Criteria: ICSL Variant Classification Criteria 13 December 2019. Collection method: clinical testing. Allele origin: germline.

NM_182961.4(SYNE1):c.12056C>T (p.Ala4019Val)

Gene: SYNE1 (spectrin repeat containing nuclear envelope protein 1; minus strand). Cytogenetic location: 6q25.2.
Variant type: single nucleotide variant.
Coding change: c.12056C>T on transcript NM_182961.4 (MANE Select); coding-DNA position 12056, C replaced by T.
Protein change: p.Ala4019Val; replaces alanine 4019 with valine.
Molecular consequence: missense variant.
Genome position (GRCh38, 1-based): chr6:152,347,081, G>A on the plus strand (C>T on the coding strand, the complement: SYNE1 is on the minus strand). VCF-style: chr6-152347081-G-A. GRCh37 (hg19) VCF-style: chr6-152668216-G-A.
Other names: c.11843C>T, p.Ala3948Val (NM_033071.5); short protein forms A3948V, A4019V.
Identifiers: ClinVar variation 355883 (VCV000355883.7), dbSNP rs756840607, ClinGen allele CA10623308.